The following is an entry in ClinVar:

NM_033109.5(PNPT1):c.1748dup (p.Glu584fs)

Gene: PNPT1 (polyribonucleotide nucleotidyltransferase 1; minus strand). Cytogenetic location: 2p16.1.
Variant type: Duplication.
Coding change: c.1748dup on transcript NM_033109.5 (MANE Select); coding-DNA position 1748, one base duplicated (A; older notation c.1748dupA).
Protein change: p.Glu584fs; shifts the reading frame from glutamic acid 584.
Molecular consequence: frameshift variant.
Genome position (GRCh38, 1-based): chr2:55,645,423, T duplicated on the plus strand (A on the coding strand, the reverse complement: PNPT1 is on the minus strand); the first of 6 consecutive T bases (chr2:55,645,423-55,645,428); duplicating any one gives the same sequence. VCF-style (leftmost placement, unchanged base first): chr2-55645422-C-CT. GRCh37 (hg19) VCF-style: chr2-55872557-C-CT.
Other names: short protein forms E584fs.
Identifiers: ClinVar variation 1455027 (VCV001455027.9), dbSNP rs35239216, ClinGen allele CA2573135045.

ClinVar aggregate classification (germline): Pathogenic. Review status: criteria provided, single submitter (1 of 4 stars). 2 submissions from 2 submitters: Pathogenic (1). 1 of the submissions does not count toward it. Last evaluated 2021-06-16.

Conditions:
Autosomal recessive nonsyndromic hearing loss 70. Also called: Deafness, autosomal recessive 70. Identifiers: Orphanet 90636, MedGen C1824925, MONDO:0013978, OMIM 614934.

Submissions (2):

Labcorp Genetics (formerly Invitae), Labcorp
Classification: Pathogenic. Last evaluated: 2021-06-16. Review status: criteria provided, single submitter. Criteria: Invitae Variant Classification Sherloc (09022015). Collection method: clinical testing. Allele origin: germline.
Comment: For these reasons, this variant has been classified as Pathogenic. This variant has been observed in individual(s) with PNPT1-related conditions (PMID: 28708278, 30244537). This variant is not present in population databases (ExAC no frequency). This sequence change creates a premature translational stop signal (p.Glu584Glyfs*17) in the PNPT1 gene. It is expected to result in an absent or disrupted protein product. Loss-of-function variants in PNPT1 are known to be pathogenic (PMID: 28594066, 30244537).

OMIM
Classification: Pathogenic for DEAFNESS, AUTOSOMAL RECESSIVE 70, WITH ADULT-ONSET NEURODEGENERATION. Last evaluated: 2022-07-11. Review status: no assertion criteria provided. Collection method: literature only. Allele origin: germline. Not counted in ClinVar's aggregate classification.

Literature cited by the submitters: PubMed 28708278 (cited by Labcorp Genetics (formerly Invitae), Labcorp); PubMed 30244537 (cited by Labcorp Genetics (formerly Invitae), Labcorp and OMIM); PubMed 28594066 (cited by Labcorp Genetics (formerly Invitae), Labcorp).